The following is an entry in ClinVar:

ClinVar aggregate classification (germline): Uncertain significance. Review status: criteria provided, multiple submitters, no conflicts (2 of 4 stars). 2 submissions from 2 submitters: Uncertain significance (2). Last evaluated 2024-07-30.

Conditions:
DICER1-related tumor predisposition. Also called: DICER1-related pleuropulmonary blastoma cancer predisposition syndrome; DICER1 syndrome. Identifiers: Orphanet 284343, MedGen C3839822, MONDO:0100216.
Hereditary cancer-predisposing syndrome. Also called: Hereditary Cancer Syndrome; Neoplastic Syndromes, Hereditary; Hereditary neoplastic syndrome; Tumor predisposition. Identifiers: Orphanet 140162, MedGen C0027672, MeSH D009386, MONDO:0015356.

Allele frequency attached by ClinVar (database versions not stated): gnomAD exomes below 0.00001.

Submissions (2):

Labcorp Genetics (formerly Invitae), Labcorp
Classification: Uncertain significance for DICER1-related tumor predisposition. Last evaluated: 2024-07-30. Review status: criteria provided, single submitter. Criteria: Invitae Variant Classification Sherloc (09022015). Collection method: clinical testing. Allele origin: germline.
Comment: This sequence change replaces leucine, which is neutral and non-polar, with valine, which is neutral and non-polar, at codon 1061 of the DICER1 protein (p.Leu1061Val). This variant is not present in population databases (gnomAD no frequency). This variant has not been reported in the literature in individuals affected with DICER1-related conditions. ClinVar contains an entry for this variant (Variation ID: 823102). Advanced modeling of protein sequence and biophysical properties (such as structural, functional, and spatial information, amino acid conservation, physicochemical variation, residue mobility, and thermodynamic stability) performed at Invitae indicates that this missense variant is not expected to disrupt DICER1 protein function with a negative predictive value of 80%. In summary, the available evidence is currently insufficient to determine the role of this variant in disease. Therefore, it has been classified as a Variant of Uncertain Significance.

Ambry Genetics
Classification: Uncertain significance for Hereditary cancer-predisposing syndrome. Last evaluated: 2023-07-12. Review status: criteria provided, single submitter. Criteria: Ambry Variant Classification Scheme 2023. Collection method: clinical testing. Allele origin: germline.
Comment: The p.L1061V variant (also known as c.3181C>G), located in coding exon 19 of the DICER1 gene, results from a C to G substitution at nucleotide position 3181. The leucine at codon 1061 is replaced by valine, an amino acid with highly similar properties. This amino acid position is highly conserved in available vertebrate species. In addition, this alteration is predicted to be tolerated by in silico analysis. Since supporting evidence is limited at this time, the clinical significance of this alteration remains unclear.

NM_177438.3(DICER1):c.3181C>G (p.Leu1061Val)

Gene: DICER1 (dicer 1, ribonuclease III; minus strand). Cytogenetic location: 14q32.13.
Variant type: single nucleotide variant.
Coding change: c.3181C>G on transcript NM_177438.3 (MANE Select); coding-DNA position 3181, C replaced by G.
Protein change: p.Leu1061Val; replaces leucine 1061 with valine.
Molecular consequence: missense variant.
Genome position (GRCh38, 1-based): chr14:95,105,159, G>C on the plus strand (C>G on the coding strand, the complement: DICER1 is on the minus strand). VCF-style: chr14-95105159-G-C. GRCh37 (hg19) VCF-style: chr14-95571496-G-C.
Other names: c.3181C>G, p.Leu1061Val (NM_001195573.1, NM_001271282.3, NM_001291628.2 and 1 more transcripts); short protein forms L1061V.
Identifiers: ClinVar variation 823102 (VCV000823102.15), dbSNP rs1595370875, ClinGen allele CA390876627.